The following is an entry in ClinVar:

NC_000010.10:g.(?_101567121)_(101577261_?)del

Gene: ABCC2 (ATP binding cassette subfamily C member 2; plus strand). Cytogenetic location: 10q24.2.
Variant type: Deletion.
Identifiers: ClinVar variation 3244940 (VCV003244940.1).

ClinVar aggregate classification (germline): Pathogenic (1 of 4 stars; one submission).

Submission:

Labcorp Genetics (formerly Invitae), Labcorp
Classification: Pathogenic. Last evaluated: 2023-07-28. Review status: criteria provided, single submitter. Criteria: Invitae Variant Classification Sherloc (09022015). Collection method: clinical testing. Allele origin: unknown.
Comment: This variant is a gross deletion of the genomic region encompassing exon(s) 12-17 of the ABCC2 gene. This variant would be expected to be in-frame, preserving the integrity of the reading frame. This variant has not been reported in the literature in individuals affected with ABCC2-related conditions. This variant disrupts a region of the ABCC2 protein in which other variant(s) (p.Arg529Gln) have been determined to be pathogenic (PMID: 32183854, 33470920, 34150028). This suggests that this is a clinically significant region of the protein, and that variants that disrupt it are likely to be disease-causing. For these reasons, this variant has been classified as Pathogenic.

Literature cited by the submitters: PubMed 32183854; PubMed 33470920; PubMed 34150028.